The following is an entry in ClinVar:

ClinVar aggregate classification (germline): Uncertain significance. Review status: criteria provided, multiple submitters, no conflicts (2 of 4 stars). 2 submissions from 2 submitters: Uncertain significance (2). Last evaluated 2025-10-10.

Conditions:
Hereditary cancer-predisposing syndrome. Also called: Tumor predisposition; Neoplastic Syndromes, Hereditary; Hereditary Cancer Syndrome; Hereditary neoplastic syndrome. Identifiers: Orphanet 140162, MedGen C0027672, MeSH D009386, MONDO:0015356.
Hereditary diffuse gastric adenocarcinoma (HDGC). Also called: DIFFUSE GASTRIC AND LOBULAR BREAST CANCER SYNDROME. Identifiers: Orphanet 26106, MedGen C1708349, MONDO:0007648, OMIM 137215.

Submissions (2):

Ambry Genetics
Classification: Uncertain significance for Hereditary cancer-predisposing syndrome. Last evaluated: 2025-10-10. Review status: criteria provided, single submitter. Criteria: Ambry Variant Classification Scheme 2023. Collection method: clinical testing. Allele origin: germline.
Comment: The p.R151I variant (also known as c.452G>T), located in coding exon 4 of the CDH1 gene, results from a G to T substitution at nucleotide position 452. The arginine at codon 151 is replaced by isoleucine, an amino acid with similar properties. This amino acid position is conserved. In addition, this alteration is predicted to be deleterious by in silico analysis. Based on the available evidence, the clinical significance of this variant remains unclear.

Labcorp Genetics (formerly Invitae), Labcorp
Classification: Uncertain significance for Hereditary diffuse gastric adenocarcinoma. Last evaluated: 2022-05-07. Review status: criteria provided, single submitter. Criteria: Invitae Variant Classification Sherloc (09022015). Collection method: clinical testing. Allele origin: germline.
Comment: ClinVar contains an entry for this variant (Variation ID: 406613). This variant has not been reported in the literature in individuals affected with CDH1-related conditions. Algorithms developed to predict the effect of missense changes on protein structure and function (SIFT, PolyPhen-2, Align-GVGD) all suggest that this variant is likely to be disruptive. In summary, the available evidence is currently insufficient to determine the role of this variant in disease. Therefore, it has been classified as a Variant of Uncertain Significance. This sequence change replaces arginine, which is basic and polar, with isoleucine, which is neutral and non-polar, at codon 151 of the CDH1 protein (p.Arg151Ile). This variant is not present in population databases (gnomAD no frequency).

NM_004360.5(CDH1):c.452G>T (p.Arg151Ile)

Gene: CDH1 (cadherin 1; plus strand). Cytogenetic location: 16q22.1.
Variant type: single nucleotide variant.
Coding change: c.452G>T on transcript NM_004360.5 (MANE Select); coding-DNA position 452, G replaced by T.
Protein change: p.Arg151Ile; replaces arginine 151 with isoleucine.
Molecular consequence: missense variant. On other transcripts: 5 prime UTR variant (2).
Genome position (GRCh38, 1-based): chr16:68,808,488, G>T. VCF-style: chr16-68808488-G-T. GRCh37 (hg19) VCF-style: chr16-68842391-G-T.
Other names: c.452G>T, p.Arg151Ile (NM_001317184.2); c.-1164G>T (NM_001317185.2); c.-1368G>T (NM_001317186.2); c.452G>T (LRG_301t1); short protein forms R151I.
Identifiers: ClinVar variation 406613 (VCV000406613.14), dbSNP rs1060501213, ClinGen allele CA16614947.